The following is an entry in ClinVar:

NM_015214.3(DDHD2):c.1382C>T (p.Ala461Val)

Gene: DDHD2 (DDHD domain containing 2; plus strand). Cytogenetic location: 8p11.23.
Variant type: single nucleotide variant.
Coding change: c.1382C>T on transcript NM_015214.3 (MANE Select); coding-DNA position 1382, C replaced by T.
Protein change: p.Ala461Val; replaces alanine 461 with valine.
Molecular consequence: missense variant. On other transcripts: non-coding transcript variant (2).
Genome position (GRCh38, 1-based): chr8:38,251,949, C>T. VCF-style: chr8-38251949-C-T. GRCh37 (hg19) VCF-style: chr8-38109467-C-T.
Other names: c.1382C>T, p.Ala461Val (NM_001164232.2, NM_001362911.2, NM_001362912.2 and 1 more transcripts); c.1292C>T, p.Ala431Val (NM_001362913.2); short protein forms A461V, A431V.
Identifiers: ClinVar variation 430398 (VCV000430398.10), dbSNP rs201386329, ClinGen allele CA4716255.

ClinVar aggregate classification (germline): Uncertain significance. Review status: criteria provided, multiple submitters, no conflicts (2 of 4 stars). 3 submissions from 3 submitters: Uncertain significance (3). Last evaluated 2024-01-08.

Conditions:
Hereditary spastic paraplegia 54. Also called: Spastic paraplegia 54, autosomal recessive. Identifiers: Orphanet 320380, MedGen C3539495, MONDO:0014018, OMIM 615033.
Hereditary spastic paraplegia. Also called: Familial spastic paraparesis. Identifiers: Orphanet 685, MedGen C0037773, MONDO:0019064. Disease mechanism: loss of function.

Allele frequency attached by ClinVar (database versions not stated): ExAC 0.00002; gnomAD exomes 0.00002 and 0.00015; gnomAD 0.00007 and 0.00009; TOPMed 0.00009.
gnomAD v4.1: 225 of 1,614,024 alleles (0.014%); highest among the groups gnomAD compares: Non-Finnish European, 0.018%; no homozygotes.

Submissions (3):

Labcorp Genetics (formerly Invitae), Labcorp
Classification: Uncertain significance for Hereditary spastic paraplegia 54. Last evaluated: 2024-01-08. Review status: criteria provided, single submitter. Criteria: Invitae Variant Classification Sherloc (09022015). Collection method: clinical testing. Allele origin: germline.
Comment: This sequence change replaces alanine, which is neutral and non-polar, with valine, which is neutral and non-polar, at codon 461 of the DDHD2 protein (p.Ala461Val). This variant is present in population databases (rs201386329, gnomAD 0.008%). This variant has not been reported in the literature in individuals affected with DDHD2-related conditions. ClinVar contains an entry for this variant (Variation ID: 430398). Advanced modeling of protein sequence and biophysical properties (such as structural, functional, and spatial information, amino acid conservation, physicochemical variation, residue mobility, and thermodynamic stability) performed at Invitae indicates that this missense variant is not expected to disrupt DDHD2 protein function with a negative predictive value of 80%. In summary, the available evidence is currently insufficient to determine the role of this variant in disease. Therefore, it has been classified as a Variant of Uncertain Significance.

Genome Diagnostics Laboratory, The Hospital for Sick Children
Classification: Uncertain significance for Hereditary spastic paraplegia. Last evaluated: 2021-06-07. Review status: criteria provided, single submitter. Criteria: ACMG Guidelines, 2015. Collection method: clinical testing. Allele origin: germline. Affected: yes.

GeneDx
Classification: Uncertain significance. Last evaluated: 2020-11-04. Review status: criteria provided, single submitter. Criteria: GeneDx Variant Classification Process June 2021. Collection method: clinical testing. Allele origin: germline. Affected: yes.
Comment: Not observed at a significant frequency in large population cohorts (Lek et al., 2016); In silico analysis supports that this missense variant does not alter protein structure/function; Has not been previously published as pathogenic or benign to our knowledge